The following is an entry in ClinVar:

NM_000169.3(GLA):c.815A>T (p.Asn272Ile)

Genes: GLA (galactosidase alpha; minus strand), RPL36A-HNRNPH2 (RPL36A-HNRNPH2 readthrough; plus strand). Cytogenetic location: Xq22.1.
Variant type: single nucleotide variant.
Coding change: c.815A>T on transcript NM_000169.3 (MANE Select); coding-DNA position 815, A replaced by T.
Protein change: p.Asn272Ile; replaces asparagine 272 with isoleucine.
Molecular consequence: missense variant. On other transcripts: non-coding transcript variant (3), intron variant (2).
Genome position (GRCh38, 1-based): chrX:101,398,554, T>A on the plus strand (A>T on the coding strand, the complement: GLA is on the minus strand). VCF-style: chrX-101398554-T-A. GRCh37 (hg19) VCF-style: chrX-100653542-T-A.
Other names: c.938A>T, p.Asn313Ile (NM_001406747.1); c.815A>T, p.Asn272Ile (NM_001406748.1); c.300+3097T>A (NM_001199973.2); c.177+6732T>A (NM_001199974.2); short protein forms N272I, N313I.
Identifiers: ClinVar variation 4087526 (VCV004087526.2).

ClinVar aggregate classification (germline): Likely pathogenic (1 of 4 stars; one submission).

Conditions:
Fabry disease. Also called: ALPHA-GALACTOSIDASE A DEFICIENCY; ANDERSON-FABRY DISEASE; CERAMIDE TRIHEXOSIDASE DEFICIENCY; GLA DEFICIENCY; HEREDITARY DYSTOPIC LIPIDOSIS; Angiokeratoma corporis diffusum. Identifiers: Orphanet 324, MedGen C0002986, MONDO:0010526, OMIM 301500, HP:0001071. Disease mechanism: Fabry disease is due to inactivating mutations in the X-linked GLA gene resulting in deficiency of the enzyme Alpha Galactosidase-A., loss of function.

Submission:

Genomenon, Inc
Classification: Likely pathogenic for Fabry disease. Last evaluated: 2026-09-08. Review status: criteria provided, single submitter. Criteria: Genomenon Sequence Variant Interpretation Standards - Updated. Collection method: curation. Allele origin: germline. Affected: yes.
Comment: GLA p.Asn272Ile (c.815A>T) is a missense variant that changes the amino acid at codon 272 from Asparagine to Isoleucine. This variant has been observed in at least one proband with clinical features consistent with Fabry disease (PMID:29476735). At least one functional study has demonstrated a substantial alteration in protein function relative to the wild-type (PMID:29476735). It is absent or not present at a significant frequency in gnomAD. In silico models predict that this variant is possibly or probably damaging. In conclusion, we classify GLA p.Asn272Ile (c.815A>T) as a likely pathogenic variant.

Literature cited by the submitters: PubMed 29476735.